The following is an entry in ClinVar:

ClinVar aggregate classification (germline): Uncertain significance. Review status: criteria provided, multiple submitters, no conflicts (2 of 4 stars). 3 submissions from 3 submitters: Uncertain significance (3). Last evaluated 2026-02-02.

Conditions:
Dilated cardiomyopathy 1G (CMD1G). Identifiers: Orphanet 154, MedGen C1858763, MONDO:0011400, OMIM 604145.
Autosomal recessive limb-girdle muscular dystrophy type 2J (LGMDR10). Also called: MUSCULAR DYSTROPHY, LIMB-GIRDLE, AUTOSOMAL RECESSIVE 10; Limb-girdle muscular dystrophy, type 2J. Identifiers: Orphanet 140922, MedGen C1837342, MONDO:0012127, OMIM 608807.

gnomAD v4.1: 9 of 1,613,800 alleles (0.00056%); highest among the groups gnomAD compares: South Asian, 0.0055%; 1 homozygote.

Submissions (3):

Labcorp Genetics (formerly Invitae), Labcorp
Classification: Uncertain significance for Dilated cardiomyopathy 1G; Autosomal recessive limb-girdle muscular dystrophy type 2J. Last evaluated: 2026-02-02. Review status: criteria provided, single submitter. Criteria: Invitae Variant Classification Sherloc (09022015). Collection method: clinical testing. Allele origin: germline.
Comment: This sequence change replaces arginine, which is basic and polar, with serine, which is neutral and polar, at codon 34575 of the TTN protein (p.Arg34575Ser). This variant is present in population databases (rs190866742, gnomAD 0.006%). This variant has not been reported in the literature in individuals affected with TTN-related conditions. ClinVar contains an entry for this variant (Variation ID: 594116). Experimental studies and prediction algorithms are not available or were not evaluated, and the functional significance of this variant is currently unknown. In summary, the available evidence is currently insufficient to determine the role of this variant in disease. Therefore, it has been classified as a Variant of Uncertain Significance.

Revvity Omics, Revvity
Classification: Uncertain significance. Last evaluated: 2023-08-03. Review status: criteria provided, single submitter. Criteria: ACMG Guidelines, 2015. Collection method: clinical testing. Allele origin: germline.

Eurofins Ntd Llc (ga)
Classification: Uncertain significance. Last evaluated: 2017-09-19. Review status: criteria provided, single submitter. Criteria: EGL Classification Definitions 2015. Collection method: clinical testing. Allele origin: germline. Observed: 1 variant allele, 1 heterozygote.

NM_001267550.2(TTN):c.103723C>A (p.Arg34575Ser)

Genes: TTN-AS1 (TTN antisense RNA 1; plus strand), TTN (titin; minus strand). Cytogenetic location: 2q31.2.
Variant type: single nucleotide variant.
Coding change: c.103723C>A on transcript NM_001267550.2 (MANE Select); coding-DNA position 103723, C replaced by A.
Protein change: p.Arg34575Ser; replaces arginine 34575 with serine.
Molecular consequence: missense variant.
Genome position (GRCh38, 1-based): chr2:178,532,892, G>T on the plus strand (C>A on the coding strand, the complement: TTN is on the minus strand). VCF-style: chr2-178532892-G-T. GRCh37 (hg19) VCF-style: chr2-179397619-G-T.
Other names: c.98800C>A, p.Arg32934Ser (NM_001256850.1); c.76528C>A, p.Arg25510Ser (NM_003319.4); c.96019C>A, p.Arg32007Ser (NM_133378.4); c.76903C>A, p.Arg25635Ser (NM_133432.3); c.77104C>A, p.Arg25702Ser (NM_133437.4); short protein forms R32007S, R34575S, R25510S, R32934S, R25635S, R25702S.
Identifiers: ClinVar variation 594116 (VCV000594116.10), dbSNP rs190866742, ClinGen allele CA1985556.